The following is an entry in ClinVar:

ClinVar aggregate classification (germline): Uncertain significance (1 of 4 stars; one submission).

Submission:

Ambry Genetics
Classification: Uncertain significance. Last evaluated: 2024-04-12. Review status: criteria provided, single submitter. Criteria: Ambry Variant Classification Scheme 2023. Collection method: clinical testing. Allele origin: germline.
Comment: The p.S303T variant (also known as c.908G>C), located in coding exon 11 of the NPAT gene, results from a G to C substitution at nucleotide position 908. The serine at codon 303 is replaced by threonine, an amino acid with similar properties. This amino acid position is conserved. In addition, this alteration is predicted to be tolerated by in silico analysis. Based on the available evidence, the clinical significance of this variant remains unclear.

NM_002519.3(NPAT):c.908G>C (p.Ser303Thr)

Gene: NPAT (nuclear protein, coactivator of histone transcription; minus strand). Cytogenetic location: 11q22.3.
Variant type: single nucleotide variant.
Coding change: c.908G>C on transcript NM_002519.3 (MANE Select); coding-DNA position 908, G replaced by C.
Protein change: p.Ser303Thr; replaces serine 303 with threonine.
Molecular consequence: missense variant.
Genome position (GRCh38, 1-based): chr11:108,177,089, C>G on the plus strand (G>C on the coding strand, the complement: NPAT is on the minus strand). VCF-style: chr11-108177089-C-G. GRCh37 (hg19) VCF-style: chr11-108047816-C-G.
Other names: c.908G>C, p.Ser303Thr (NM_001321307.1); short protein forms S303T.
Identifiers: ClinVar variation 3300663 (VCV003300663.1).